The following is an entry in ClinVar:

ClinVar aggregate classification (germline): Uncertain significance (1 of 4 stars; one submission).

Conditions:
Breast-ovarian cancer, familial, susceptibility to, 2 (BROVCA2). Also called: BRCA2 Hereditary Breast and Ovarian Cancer. Identifiers: Orphanet 145, MedGen C2675520, MONDO:0012933, OMIM 612555. Disease mechanism: loss of function.

Submission:

All of Us Research Program, National Institutes of Health
Classification: Uncertain significance for Breast-ovarian cancer, familial, susceptibility to, 2. Last evaluated: 2023-06-26. Review status: criteria provided, single submitter. Criteria: ACMG Guidelines, 2015. Collection method: clinical testing. Allele origin: germline. Inheritance: Autosomal dominant inheritance. Observed: 1 variant allele, 1 heterozygote.
Comment: This missense variant replaces alanine with threonine at codon 766 of the BRCA2 protein. Computational prediction suggests that this variant may not impact protein structure and function (internally defined REVEL score threshold <= 0.5, PMID: 27666373). To our knowledge, functional studies have not been reported for this variant. This variant has not been reported in individuals affected with BRCA2-related disorders in the literature. This variant has not been identified in the general population by the Genome Aggregation Database (gnomAD). The available evidence is insufficient to determine the role of this variant in disease conclusively. Therefore, this variant is classified as a Variant of Uncertain Significance.

This study involves interpretation of variants in research participants for the purpose of population health screening. Participant phenotype was not available at the time of variant classification. Additional details can be found in publication PMID: 35346344, PMCID: PMC8962531

NM_000059.4(BRCA2):c.2296G>A (p.Ala766Thr)

Gene: BRCA2 (BRCA2 DNA repair associated; plus strand). Cytogenetic location: 13q13.1.
Variant type: single nucleotide variant.
Coding change: c.2296G>A on transcript NM_000059.4 (MANE Select); coding-DNA position 2296, G replaced by A.
Protein change: p.Ala766Thr; replaces alanine 766 with threonine.
Molecular consequence: missense variant. On other transcripts: non-coding transcript variant (1), intron variant (2).
Genome position (GRCh38, 1-based): chr13:32,336,651, G>A. VCF-style: chr13-32336651-G-A. GRCh37 (hg19) VCF-style: chr13-32910788-G-A.
Other names: c.2296G>A, p.Ala766Thr (NM_001406719.1, NM_001406720.1); c.1909+3264G>A (NM_001406721.1); c.424+5621G>A (NM_001406722.1); short protein forms A766T.
Identifiers: ClinVar variation 3075621 (VCV003075621.1), dbSNP rs2548523591, ClinGen allele CA387771263.